The following is an entry in ClinVar:

ClinVar aggregate classification (germline): Uncertain significance. Review status: criteria provided, multiple submitters, no conflicts (2 of 4 stars). 4 submissions from 4 submitters: Uncertain significance (4). Last evaluated 2026-04-30.

Conditions:
ZNF423-related disorder. Also called: ZNF423-related condition.
Nephronophthisis 14 (NPHP14). Identifiers: Orphanet 2318, MedGen C3539071, MONDO:0013916, OMIM 614844.

Allele frequency attached by ClinVar (database versions not stated): ExAC 0.00003; gnomAD 0.00011 and 0.00013; TOPMed 0.00014; ESP Exome Variant Server 0.00015; 1000 Genomes Project 30x 0.00016; 1000 Genomes Project 0.00020.
gnomAD v4.1: 99 of 1,614,104 alleles (0.0061%); highest among the groups gnomAD compares: Admixed American, 0.028%; no homozygotes.

Submissions (4):

PreventionGenetics, part of Exact Sciences
Classification: Uncertain significance for ZNF423-related condition. Last evaluated: 2026-04-30. Review status: criteria provided, single submitter. Criteria: ACMG Guidelines, 2015. Collection method: clinical testing. Allele origin: germline.
Comment: The ZNF423 c.1192C>T variant is predicted to result in the amino acid substitution p.Arg398Trp. This variant has been reported in compound heterozygous state in an individual with Joubert syndrome (Sivathanu et al. 2020. PubMed ID: 33531950). This variant is present in 0.0085% of alleles in individuals of Latino descent in gnomAD. At this time, the clinical significance of this variant is uncertain due to the absence of conclusive functional and genetic evidence.

Labcorp Genetics (formerly Invitae), Labcorp
Classification: Uncertain significance for Nephronophthisis 14. Last evaluated: 2026-01-06. Review status: criteria provided, single submitter. Criteria: Invitae Variant Classification Sherloc (09022015). Collection method: clinical testing. Allele origin: germline.
Comment: This sequence change replaces arginine, which is basic and polar, with tryptophan, which is neutral and slightly polar, at codon 398 of the ZNF423 protein (p.Arg398Trp). This variant is present in population databases (rs368847069, gnomAD 0.006%). This variant has not been reported in the literature in individuals affected with ZNF423-related conditions. ClinVar contains an entry for this variant (Variation ID: 1061315). Invitae Evidence Modeling of protein sequence and biophysical properties (such as structural, functional, and spatial information, amino acid conservation, physicochemical variation, residue mobility, and thermodynamic stability) indicates that this missense variant is not expected to disrupt ZNF423 protein function with a negative predictive value of 80%. In summary, the available evidence is currently insufficient to determine the role of this variant in disease. Therefore, it has been classified as a Variant of Uncertain Significance.

Breakthrough Genomics
Classification: Uncertain significance. Review status: criteria provided, single submitter. Criteria: ACMG Guidelines, 2015. Collection method: not provided. Allele origin: germline. Inheritance: Autosomal recessive inheritance. Affected: yes.

Neuberg Centre For Genomic Medicine, NCGM
Classification: Uncertain significance for Nephronophthisis 14. Review status: criteria provided, single submitter. Criteria: ACMG Guidelines, 2015. Collection method: clinical testing. Allele origin: germline. Inheritance: Autosomal recessive inheritance. Affected: yes.
Comment: The missense variant c.1216C>Tp.Arg406Trp in ZNF423 gene has not been reported previously as a pathogenic variant nor as a benign variant, to our knowledge. The variant is reported with 0.003% allele frequency in gnomAD Exomes and is novel not in any individuals in 1000 Genomes. This variant has been reported to the ClinVar database as Uncertain Significance.The amino acid Arginine at position 406 is changed to a Tryptophan changing protein sequence and it might alter its composition and physico-chemical properties. The variant is predicted to be damaging by SIFT. The amino acid change p.Arg406Trp in ZNF423 is predicted as conserved by GERP++ and PhyloP across 100 vertebrates. For these reasons, this variant has been classified as Uncertain Significance.

NM_001379286.1(ZNF423):c.1216C>T (p.Arg406Trp)

Gene: ZNF423 (zinc finger protein 423; minus strand). Cytogenetic location: 16q12.1.
Variant type: single nucleotide variant.
Coding change: c.1216C>T on transcript NM_001379286.1 (MANE Select); coding-DNA position 1216, C replaced by T.
Protein change: p.Arg406Trp; replaces arginine 406 with tryptophan.
Molecular consequence: missense variant.
Genome position (GRCh38, 1-based): chr16:49,637,960, G>A on the plus strand (C>T on the coding strand, the complement: ZNF423 is on the minus strand). VCF-style: chr16-49637960-G-A. GRCh37 (hg19) VCF-style: chr16-49671871-G-A.
Other names: c.1192C>T (NM_015069.4); c.1012C>T, p.Arg338Trp (NM_001271620.2); c.841C>T, p.Arg281Trp (NM_001330533.2); c.1192C>T, p.Arg398Trp (NM_015069.5); short protein forms R281W, R338W, R398W, R406W.
Identifiers: ClinVar variation 1061315 (VCV001061315.8), dbSNP rs368847069, ClinGen allele CA8046728.